The following is an entry in ClinVar:

ClinVar aggregate classification (germline): Uncertain significance. Review status: criteria provided, multiple submitters, no conflicts (2 of 4 stars). 2 submissions from 2 submitters: Uncertain significance (2). Last evaluated 2023-12-05.

Conditions:
Hereditary cancer-predisposing syndrome. Also called: Hereditary neoplastic syndrome; Hereditary Cancer Syndrome; Neoplastic Syndromes, Hereditary; Tumor predisposition. Identifiers: Orphanet 140162, MedGen C0027672, MeSH D009386, MONDO:0015356.

Submissions (2):

Color Diagnostics, LLC DBA Color Health
Classification: Uncertain significance for Hereditary cancer-predisposing syndrome. Last evaluated: 2023-12-05. Review status: criteria provided, single submitter. Criteria: ACMG Guidelines, 2015. Collection method: clinical testing. Allele origin: germline.
Comment: This missense variant replaces serine with histidine at codon 550 of the MSH6 protein. To our knowledge, functional studies have not been reported for this variant. This variant has not been reported in individuals affected with MSH6-related disorders in the literature. This variant has not been identified in the general population by the Genome Aggregation Database (gnomAD). The available evidence is insufficient to determine the role of this variant in disease conclusively. Therefore, this variant is classified as a Variant of Uncertain Significance.

Ambry Genetics
Classification: Uncertain significance for Hereditary cancer-predisposing syndrome. Last evaluated: 2023-05-31. Review status: criteria provided, single submitter. Criteria: Ambry Variant Classification Scheme 2023. Collection method: clinical testing. Allele origin: germline.
Comment: The c.1648_1649delTCinsCA variant (also known as p.S550H), located in coding exon 4 of the MSH6 gene, results from an in-frame deletion of TC and insertion of CA at nucleotide positions 1648 to 1649. This results in the substitution of the serine residue for a histidine residue at codon 550, an amino acid with similar properties. This amino acid position is not well conserved in available vertebrate species. In addition, the in silico prediction for this alteration is inconclusive (Choi Y et al. PLoS ONE. 2012; 7(10):e46688). Since supporting evidence is limited at this time, the clinical significance of this alteration remains unclear.

NM_000179.3(MSH6):c.1648_1649delinsCA (p.Ser550His)

Gene: MSH6 (mutS homolog 6; plus strand). Cytogenetic location: 2p16.3.
Variant type: Indel.
Coding change: c.1648_1649delinsCA on transcript NM_000179.3 (MANE Select); coding-DNA positions 1648 to 1649, TC replaced by CA.
Protein change: p.Ser550His; replaces serine 550 with histidine.
Molecular consequence: missense variant. On other transcripts: non-coding transcript variant (4), intron variant (2).
Genome position (GRCh38, 1-based): chr2:47,799,631-47,799,632, TC replaced by CA. VCF-style: chr2-47799631-TC-CA. GRCh37 (hg19) VCF-style: chr2-48026770-TC-CA.
Other names: c.1258_1259delinsCA, p.Ser420His (NM_001281492.2); c.742_743delinsCA, p.Ser248His (NM_001281493.2, NM_001281494.2, NM_001406811.1 and 6 more transcripts); c.1744_1745delinsCA, p.Ser582His (NM_001406795.1, NM_001406802.1); c.1648_1649delinsCA, p.Ser550His (NM_001406796.1, NM_001406798.1, NM_001406800.1 and 3 more transcripts); c.1351_1352delinsCA, p.Ser451His (NM_001406797.1, NM_001406801.1, NM_001406805.1 and 10 more transcripts); c.1123_1124delinsCA, p.Ser375His (NM_001406799.1, NM_001406806.1, NM_001406807.1); c.1570_1571delinsCA, p.Ser524His (NM_001406804.1); c.1654_1655delinsCA, p.Ser552His (NM_001406813.1); and 3 more; short protein forms S375H, S420H, S582H, S451H, S552H, S524H, S248H, S494H.
Identifiers: ClinVar variation 2567478 (VCV002567478.4), dbSNP rs2530622184, ClinGen allele CA913188013.